The following is an entry in ClinVar:

ClinVar aggregate classification (germline): Likely pathogenic (1 of 4 stars; one submission).

Conditions:
Isovaleryl-CoA dehydrogenase deficiency (IVA). Also called: Classic Isovaleric Acidemia; ISOVALERIC ACID CoA DEHYDROGENASE DEFICIENCY; Isovaleric acidemia; IVD DEFICIENCY. Identifiers: Orphanet 33, MedGen C0268575, MONDO:0009475, OMIM 243500.

Allele frequency attached by ClinVar (database versions not stated): TOPMed 0.00001; ESP Exome Variant Server 0.00008.

Submission:

Labcorp Genetics (formerly Invitae), Labcorp
Classification: Likely pathogenic for Isovaleryl-CoA dehydrogenase deficiency. Last evaluated: 2023-02-16. Review status: criteria provided, single submitter. Criteria: Invitae Variant Classification Sherloc (09022015). Collection method: clinical testing. Allele origin: germline.
Comment: This sequence change affects an acceptor splice site in intron 1 of the IVD gene. It is expected to disrupt RNA splicing. Variants that disrupt the donor or acceptor splice site typically lead to a loss of protein function (PMID: 16199547), and loss-of-function variants in IVD are known to be pathogenic (PMID: 16602101). This variant is not present in population databases (gnomAD no frequency). This variant has not been reported in the literature in individuals affected with IVD-related conditions. Algorithms developed to predict the effect of sequence changes on RNA splicing suggest that this variant may disrupt the consensus splice site. In summary, the currently available evidence indicates that the variant is pathogenic, but additional data are needed to prove that conclusively. Therefore, this variant has been classified as Likely Pathogenic.

Literature cited by the submitters: PubMed 16199547; PubMed 16602101.

NM_002225.5(IVD):c.145-2A>T

Gene: IVD (isovaleryl-CoA dehydrogenase; plus strand). Cytogenetic location: 15q15.1.
Variant type: single nucleotide variant.
Coding change: c.145-2A>T on transcript NM_002225.5 (MANE Select); the canonical splice acceptor site of the intron before coding-DNA position 145, A replaced by T.
Molecular consequence: splice acceptor variant. On other transcripts: intron variant (1).
Genome position (GRCh38, 1-based): chr15:40,407,634, A>T. VCF-style: chr15-40407634-A-T. GRCh37 (hg19) VCF-style: chr15-40699835-A-T.
Other names: c.145-2A>T (NM_001354600.3, NM_001354598.3, NM_001354601.3 and 1 more transcripts); c.97-2A>T (NM_001354597.3); c.145-305A>T (NM_001159508.3).
Identifiers: ClinVar variation 2977277 (VCV002977277.3), dbSNP rs144099251, ClinGen allele CA268824869.